The following is an entry in ClinVar:

ClinVar aggregate classification (germline): Likely benign (0 of 4 stars; one submission).

Conditions:
ZPBP-related disorder. Also called: ZPBP-related condition.

Allele frequency attached by ClinVar (database versions not stated): gnomAD exomes 0.00001; TOPMed 0.00001.
gnomAD v4.1: 9 of 1,589,404 alleles (0.00057%); highest among the groups gnomAD compares: South Asian, 0.0011%; no homozygotes.

Submission:

PreventionGenetics, part of Exact Sciences
Classification: Likely benign for ZPBP-related condition. Last evaluated: 2019-08-13. Review status: no assertion criteria provided. Collection method: clinical testing. Allele origin: germline.
Comment: This variant is classified as likely benign based on ACMG/AMP sequence variant interpretation guidelines (Richards et al. 2015 PMID: 25741868, with internal and published modifications).

NM_007009.3(ZPBP):c.208+4T>C

Gene: ZPBP (zona pellucida binding protein; minus strand). Cytogenetic location: 7p12.2.
Variant type: single nucleotide variant.
Coding change: c.208+4T>C on transcript NM_007009.3 (MANE Select); 4 bases into the intron after coding-DNA position 208, T replaced by C.
Molecular consequence: intron variant.
Genome position (GRCh38, 1-based): chr7:50,089,625, A>G on the plus strand (T>C on the coding strand, the complement: ZPBP is on the minus strand). VCF-style: chr7-50089625-A-G. GRCh37 (hg19) VCF-style: chr7-50129221-A-G.
Other names: c.208+4T>C (NM_001159878.2).
Identifiers: ClinVar variation 3053297 (VCV003053297.2), dbSNP rs1168027289, ClinGen allele CA574492103.